The following is an entry in ClinVar:

ClinVar aggregate classification (germline): Uncertain significance (1 of 4 stars; one submission).

Conditions:
Developmental and epileptic encephalopathy, 9 (DEE9). Also called: Early infantile epileptic encephalopathy 9; JUBERG-HELLMAN SYNDROME; PCDH19-Related X-Linked Female-Limited Epilepsy with Mental Retardation; EPILEPSY, FEMALE-RESTRICTED, WITH MENTAL RETARDATION. Identifiers: Orphanet 101039, Orphanet 2076, MedGen C1848137, MONDO:0010246, OMIM 300088. Disease mechanism: loss of function.

Submission:

Labcorp Genetics (formerly Invitae), Labcorp
Classification: Uncertain significance for Developmental and epileptic encephalopathy, 9. Last evaluated: 2022-07-17. Review status: criteria provided, single submitter. Criteria: Invitae Variant Classification Sherloc (09022015). Collection method: clinical testing. Allele origin: germline.
Comment: This sequence change replaces alanine, which is neutral and non-polar, with threonine, which is neutral and polar, at codon 244 of the PCDH19 protein (p.Ala244Thr). This variant is not present in population databases (gnomAD no frequency). This variant has not been reported in the literature in individuals affected with PCDH19-related conditions. Advanced modeling of protein sequence and biophysical properties (such as structural, functional, and spatial information, amino acid conservation, physicochemical variation, residue mobility, and thermodynamic stability) performed at Invitae indicates that this missense variant is not expected to disrupt PCDH19 protein function. In summary, the available evidence is currently insufficient to determine the role of this variant in disease. Therefore, it has been classified as a Variant of Uncertain Significance.

NM_001184880.2(PCDH19):c.730G>A (p.Ala244Thr)

Gene: PCDH19 (protocadherin 19; minus strand). Cytogenetic location: Xq22.1.
Variant type: single nucleotide variant.
Coding change: c.730G>A on transcript NM_001184880.2 (MANE Select); coding-DNA position 730, G replaced by A.
Protein change: p.Ala244Thr; replaces alanine 244 with threonine.
Molecular consequence: missense variant.
Genome position (GRCh38, 1-based): chrX:100,407,868, C>T on the plus strand (G>A on the coding strand, the complement: PCDH19 is on the minus strand). VCF-style: chrX-100407868-C-T. GRCh37 (hg19) VCF-style: chrX-99662866-C-T.
Other names: c.730G>A, p.Ala244Thr (NM_001105243.2, NM_020766.3); short protein forms A244T.
Identifiers: ClinVar variation 1967140 (VCV001967140.5), dbSNP rs2147540785, ClinGen allele CA414008411.